The following is an entry in ClinVar:

NM_024989.4(PGAP1):c.2630+15T>C

Gene: PGAP1 (post-GPI attachment to proteins inositol deacylase 1; minus strand). Cytogenetic location: 2q33.1.
Variant type: single nucleotide variant.
Coding change: c.2630+15T>C on transcript NM_024989.4 (MANE Select); 15 bases into the intron after coding-DNA position 2630, T replaced by C.
Molecular consequence: intron variant.
Genome position (GRCh38, 1-based): chr2:196,842,706, A>G on the plus strand (T>C on the coding strand, the complement: PGAP1 is on the minus strand). VCF-style: chr2-196842706-A-G. GRCh37 (hg19) VCF-style: chr2-197707430-A-G.
Other names: c.1463+15T>C (NM_001321100.2); c.2108+15T>C (NM_001321099.2).
Identifiers: ClinVar variation 1630202 (VCV001630202.12), dbSNP rs375452864, ClinGen allele CA2040583.
Genomic context (GRCh38, chr2:196,842,706, plus strand): 5'-AGAGTATATTTTAGATATAAAGGGGGAAAAAGGCCAAGAACAGATATAAGAAAAAGAAAG[A>G]TTAAACTACTGTACCTTGATTTTATTGAAACAGTGTAAGTATTTCCAAGAATTGCCATAG-3'

ClinVar aggregate classification (germline): Benign. Review status: criteria provided, multiple submitters, no conflicts (2 of 4 stars). 2 submissions from 2 submitters: Benign (2). Last evaluated 2025-11-19.

Conditions:
Intellectual disability, autosomal recessive 42 (NEDDSBA). Also called: GLYCOSYLPHOSPHATIDYLINOSITOL BIOSYNTHESIS DEFECT 9; Neurodevelopmental disorder with dysmorphic features, spasticity, and brain abnormalities. Identifiers: Orphanet 88616, MedGen C4014343, MONDO:0014348, OMIM 615802.

Allele frequency attached by ClinVar (database versions not stated): ESP Exome Variant Server 0.00008; gnomAD exomes 0.00022 and 0.00058; gnomAD 0.00031 and 0.00032; TOPMed 0.00048; ExAC 0.00061.
gnomAD v4.1: 335 of 1,373,220 alleles (0.024%); highest among the groups gnomAD compares: Admixed American, 0.17%; 1 homozygote.

Submissions (2):

Women's Health and Genetics/Laboratory Corporation of America, LabCorp
Classification: Benign. Last evaluated: 2025-11-19. Review status: criteria provided, single submitter. Criteria: LabCorp Variant Classification Summary - May 2015. Collection method: clinical testing. Allele origin: germline.
Comment: Variant summary: PGAP1 c.2630+15T>C alters a nucleotide located at a position not widely known to affect splicing. Consensus agreement among computation tools predict no significant impact on normal splicing. However, these predictions have yet to be confirmed by functional studies. The variant allele was found at a frequency of 0.00058 in 207322 control chromosomes, predominantly at a frequency of 0.0027 within the Latino subpopulation in the gnomAD database, including 1 homozygotes. The observed variant frequency within Latino control individuals in the gnomAD database exceeds the estimated maximal expected allele frequency for disease-causing variants in PGAP1. To our knowledge, no occurrence of c.2630+15T>C in individuals affected with PGAP1-related conditions and no experimental evidence demonstrating its impact on protein function have been reported. ClinVar contains an entry for this variant (Variation ID: 1630202). Based on the evidence outlined above, the variant was classified as benign.

Labcorp Genetics (formerly Invitae), Labcorp
Classification: Benign for Intellectual disability, autosomal recessive 42. Last evaluated: 2025-05-16. Review status: criteria provided, single submitter. Criteria: Invitae Variant Classification Sherloc (09022015). Collection method: clinical testing. Allele origin: germline.